The following is an entry in ClinVar:

NM_005787.6(ALG3):c.829C>T (p.Arg277Cys)

Gene: ALG3 (ALG3 alpha-1,3- mannosyltransferase; minus strand). Cytogenetic location: 3q27.1.
Variant type: single nucleotide variant.
Coding change: c.829C>T on transcript NM_005787.6 (MANE Select); coding-DNA position 829, C replaced by T.
Protein change: p.Arg277Cys; replaces arginine 277 with cysteine.
Molecular consequence: missense variant. On other transcripts: non-coding transcript variant (2).
Genome position (GRCh38, 1-based): chr3:184,243,894, G>A on the plus strand (C>T on the coding strand, the complement: ALG3 is on the minus strand). VCF-style: chr3-184243894-G-A. GRCh37 (hg19) VCF-style: chr3-183961682-G-A.
Other names: c.685C>T, p.Arg229Cys (NM_001006941.2); short protein forms R229C, R277C.
Identifiers: ClinVar variation 4748103 (VCV004748103.1).

ClinVar aggregate classification (germline): Uncertain significance (1 of 4 stars; one submission).

Conditions:
ALG3-congenital disorder of glycosylation. Also called: CARBOHYDRATE-DEFICIENT GLYCOPROTEIN SYNDROME, TYPE IV; CDGS, TYPE IV; ALG3-CDG; CONGENITAL DISORDER OF GLYCOSYLATION, TYPE Id; CDG Id. Identifiers: Orphanet 79321, MedGen C1832736, MONDO:0010998, OMIM 601110.

Submission:

Labcorp Genetics (formerly Invitae), Labcorp
Classification: Uncertain significance for ALG3-congenital disorder of glycosylation. Last evaluated: 2025-12-25. Review status: criteria provided, single submitter. Criteria: Invitae Variant Classification Sherloc (09022015). Collection method: clinical testing. Allele origin: germline.
Comment: This sequence change replaces arginine, which is basic and polar, with cysteine, which is neutral and slightly polar, at codon 277 of the ALG3 protein (p.Arg277Cys). This variant is present in population databases (rs757896361, gnomAD 0.01%). This variant has not been reported in the literature in individuals affected with ALG3-related conditions. Invitae Evidence Modeling of protein sequence and biophysical properties (such as structural, functional, and spatial information, amino acid conservation, physicochemical variation, residue mobility, and thermodynamic stability) indicates that this missense variant is expected to disrupt ALG3 protein function with a positive predictive value of 80%. In summary, the available evidence is currently insufficient to determine the role of this variant in disease. Therefore, it has been classified as a Variant of Uncertain Significance.